The following is an entry in ClinVar:

NM_024757.5(EHMT1):c.494C>T (p.Pro165Leu)

Gene: EHMT1 (euchromatic histone lysine methyltransferase 1; plus strand). Cytogenetic location: 9q34.3.
Variant type: single nucleotide variant.
Coding change: c.494C>T on transcript NM_024757.5 (MANE Select); coding-DNA position 494, C replaced by T.
Protein change: p.Pro165Leu; replaces proline 165 with leucine.
Molecular consequence: missense variant.
Genome position (GRCh38, 1-based): chr9:137,717,034, C>T. VCF-style: chr9-137717034-C-T. GRCh37 (hg19) VCF-style: chr9-140611486-C-T.
Other names: c.401C>T, p.Pro134Leu (NM_001354259.2, NM_001354612.2); c.494C>T, p.Pro165Leu (NM_001354263.2, NM_001354611.2, NM_001145527.2); short protein forms P134L, P165L.
Identifiers: ClinVar variation 1186846 (VCV001186846.2), dbSNP rs1945389965, ClinGen allele CA375765381.

ClinVar aggregate classification (germline): Uncertain significance (1 of 4 stars; one submission).

gnomAD v4.1: 2 of 1,607,138 alleles (0.00012%); highest among the groups gnomAD compares: Non-Finnish European, 0.00017%; no homozygotes.

Submission:

GeneDx
Classification: Uncertain significance. Last evaluated: 2020-01-09. Review status: criteria provided, single submitter. Criteria: GeneDx Variant Classification Process June 2021. Collection method: clinical testing. Allele origin: germline. Affected: yes.
Comment: Not observed in large population cohorts (Lek et al., 2016); In silico analysis, which includes protein predictors and evolutionary conservation, supports that this variant does not alter protein structure/function; Has not been previously published as pathogenic or benign to our knowledge